The following is an entry in ClinVar:

ClinVar aggregate classification (germline): Uncertain significance. Review status: criteria provided, multiple submitters, no conflicts (2 of 4 stars). 4 submissions from 4 submitters: Uncertain significance (3). 1 of the submissions does not count toward it. Last evaluated 2025-08-11.

Conditions:
Inborn genetic diseases. Identifiers: MedGen C0950123, MeSH D030342.
TH-deficient dopa-responsive dystonia. Also called: DYT-TH; Tyrosine Hydroxylase-Deficient Dopa-Responsive Dystonia; Segawa syndrome, autosomal recessive. Identifiers: Orphanet 101150, MedGen C2673535, MONDO:0011551, OMIM 605407.

Allele frequency attached by ClinVar (database versions not stated): TOPMed 0.00001.
gnomAD v4.1: 17 of 1,602,294 alleles (0.0011%); highest among the groups gnomAD compares: Non-Finnish European, 0.0014%; no homozygotes.

Submissions (4):

Ambry Genetics
Classification: Uncertain significance for Inborn genetic diseases. Last evaluated: 2025-08-11. Review status: criteria provided, single submitter. Criteria: Ambry Variant Classification Scheme 2023. Collection method: clinical testing. Allele origin: germline.

Labcorp Genetics (formerly Invitae), Labcorp
Classification: Uncertain significance for TH-deficient dopa-responsive dystonia. Last evaluated: 2023-11-27. Review status: criteria provided, single submitter. Criteria: Invitae Variant Classification Sherloc (09022015). Collection method: clinical testing. Allele origin: germline.
Comment: This sequence change replaces aspartic acid, which is acidic and polar, with histidine, which is basic and polar, at codon 298 of the TH protein (p.Asp298His). This variant is not present in population databases (gnomAD no frequency). This variant has not been reported in the literature in individuals affected with TH-related conditions. ClinVar contains an entry for this variant (Variation ID: 391909). Advanced modeling of protein sequence and biophysical properties (such as structural, functional, and spatial information, amino acid conservation, physicochemical variation, residue mobility, and thermodynamic stability) has been performed at Invitae for this missense variant, however the output from this modeling did not meet the statistical confidence thresholds required to predict the impact of this variant on TH protein function. In summary, the available evidence is currently insufficient to determine the role of this variant in disease. Therefore, it has been classified as a Variant of Uncertain Significance.

GeneDx
Classification: Uncertain significance. Last evaluated: 2017-01-06. Review status: criteria provided, single submitter. Criteria: GeneDx Variant Classification (06012015). Collection method: clinical testing. Allele origin: germline. Affected: yes.
Comment: The D298H variant in the TH gene has not been reported previously as a pathogenic variant, nor as a benign variant, to our knowledge. The D298H variant was not observed in approximately 6,500 individuals of European and African American ancestry in the NHLBI Exome Sequencing Project, indicating it is not a common benign variant in these populations. The D298H variant is a non-conservative amino acid substitution, which is likely to impact secondary protein structure as these residues differ in polarity, charge, size and/or other properties. This substitution occurs at a position that is conserved in mammals. In silico analysis predicts this variant is probably damaging to the protein structure/function. We interpret D298H as a variant of uncertain significance.

Natera, Inc.
Classification: Uncertain significance for Autosomal recessive Segawa syndrome. Last evaluated: 2020-03-17. Review status: no assertion criteria provided. Collection method: clinical testing. Allele origin: germline. Not counted in ClinVar's aggregate classification.

NM_000360.4(TH):c.799G>C (p.Asp267His)

Gene: TH (tyrosine hydroxylase; minus strand). Cytogenetic location: 11p15.5.
Variant type: single nucleotide variant.
Coding change: c.799G>C on transcript NM_000360.4 (MANE Select); coding-DNA position 799, G replaced by C.
Protein change: p.Asp267His; replaces aspartic acid 267 with histidine.
Molecular consequence: missense variant.
Genome position (GRCh38, 1-based): chr11:2,166,929, C>G on the plus strand (G>C on the coding strand, the complement: TH is on the minus strand). VCF-style: chr11-2166929-C-G. GRCh37 (hg19) VCF-style: chr11-2188159-C-G.
Other names: c.892G>C, p.Asp298His (NM_199292.3); c.880G>C, p.Asp294His (NM_199293.3); short protein forms D298H, D267H, D294H.
Identifiers: ClinVar variation 391909 (VCV000391909.10), dbSNP rs1057524283, ClinGen allele CA16606213.